The following is an entry in ClinVar:

NM_019098.5(CNGB3):c.1782-2A>C

Gene: CNGB3 (cyclic nucleotide gated channel subunit beta 3; minus strand). Cytogenetic location: 8q21.3.
Variant type: single nucleotide variant.
Coding change: c.1782-2A>C on transcript NM_019098.5 (MANE Select); the canonical splice acceptor site of the intron before coding-DNA position 1782, A replaced by C.
Molecular consequence: splice acceptor variant.
Genome position (GRCh38, 1-based): chr8:86,579,254, T>G on the plus strand (A>C on the coding strand, the complement: CNGB3 is on the minus strand). VCF-style: chr8-86579254-T-G. GRCh37 (hg19) VCF-style: chr8-87591482-T-G.
Identifiers: ClinVar variation 427710 (VCV000427710.7), dbSNP rs1554604851, ClinGen allele CA371448054.
Genomic context (GRCh38, chr8:86,579,254, plus strand): 5'-CAAACCCGTGGGCCACCACATTGGCAGTTCGACGGTTTCCTCCTCCTGCTGCTAGAAGGC[T>G]GTAAGAGAGAAAAATGAGTCTTTGCCACCAGTTTCAGTTTTCCTCCACTGAAATCTCTTT-3'

ClinVar aggregate classification (germline): Likely pathogenic. Review status: criteria provided, single submitter (1 of 4 stars). 2 submissions from 2 submitters: Likely pathogenic (1). 1 of the submissions does not count toward it. Last evaluated 2021-09-03.

Conditions:
Achromatopsia 3 (ACHM3). Also called: ACHROMATOPSIA WITH MYOPIA; ROD MONOCHROMACY 1; ROD MONOCHROMATISM 1; PINGELAPESE BLINDNESS; TOTAL COLORBLINDNESS WITH MYOPIA. Identifiers: Orphanet 49382, MedGen C1849792, MONDO:0009875, OMIM 262300.

Submissions (2):

Labcorp Genetics (formerly Invitae), Labcorp
Classification: Likely pathogenic. Last evaluated: 2021-09-03. Review status: criteria provided, single submitter. Criteria: Invitae Variant Classification Sherloc (09022015). Collection method: clinical testing. Allele origin: germline.
Comment: This sequence change affects an acceptor splice site in intron 15 of the CNGB3 gene. It is expected to disrupt RNA splicing. Variants that disrupt the donor or acceptor splice site typically lead to a loss of protein function (PMID: 16199547), and loss-of-function variants in CNGB3 are known to be pathogenic (PMID: 28795510). This variant is not present in population databases (ExAC no frequency). Disruption of this splice site has been observed in individual(s) with achromatopsia (PMID: 28795510). ClinVar contains an entry for this variant (Variation ID: 427710). Algorithms developed to predict the effect of sequence changes on RNA splicing suggest that this variant may disrupt the consensus splice site. In summary, the currently available evidence indicates that the variant is pathogenic, but additional data are needed to prove that conclusively. Therefore, this variant has been classified as Likely Pathogenic.

Molecular Genetics Laboratory, Institute for Ophthalmic Research
Classification: Pathogenic for ACHM3. Last evaluated: 2017-03-27. Review status: no assertion criteria provided. Collection method: research. Allele origin: unknown. Affected: yes. Not counted in ClinVar's aggregate classification.

Literature cited by the submitters: PubMed 16199547 (cited by Labcorp Genetics (formerly Invitae), Labcorp); PubMed 28795510 (cited by Labcorp Genetics (formerly Invitae), Labcorp and Molecular Genetics Laboratory, Institute for Ophthalmic Research).